The following is an entry in ClinVar:

NM_000478.6(ALPL):c.413G>A (p.Arg138Gln)

Gene: ALPL (alkaline phosphatase, biomineralization associated; plus strand). Cytogenetic location: 1p36.12.
Variant type: single nucleotide variant.
Coding change: c.413G>A on transcript NM_000478.6 (MANE Select); coding-DNA position 413, G replaced by A.
Protein change: p.Arg138Gln; replaces arginine 138 with glutamine.
Molecular consequence: missense variant.
Genome position (GRCh38, 1-based): chr1:21,563,225, G>A. VCF-style: chr1-21563225-G-A. GRCh37 (hg19) VCF-style: chr1-21889718-G-A.
Other names: c.248G>A, p.Arg83Gln (NM_001127501.4); c.182G>A, p.Arg61Gln (NM_001177520.3); c.413G>A, p.Arg138Gln (NM_001369803.2, NM_001369804.2, NM_001369805.2); short protein forms R138Q, R61Q, R83Q.
Identifiers: ClinVar variation 295542 (VCV000295542.50), dbSNP rs140167865, ClinGen allele CA666480.

ClinVar aggregate classification (germline): Conflicting classifications of pathogenicity. Review status: criteria provided, conflicting classifications (1 of 4 stars). 12 submissions from 12 submitters: Uncertain significance (3); Likely benign (7). 2 of the submissions do not count toward it. Last evaluated 2026-09-01.

Conditions:
ALPL-related disorder. Also called: ALPL-related disorders; ALPL-related condition.
Inborn genetic diseases. Identifiers: MedGen C0950123, MeSH D030342.
Infantile hypophosphatasia. Identifiers: Orphanet 247651, Orphanet 436, MedGen C0268412, MONDO:1010169, OMIM 241500, MONDO:0009427.
Childhood hypophosphatasia. Identifiers: Orphanet 247667, Orphanet 436, MedGen C0220743, MONDO:1010168, OMIM 241510, MONDO:0009428.
Adult hypophosphatasia. Identifiers: Orphanet 247676, Orphanet 436, MedGen C0268413, MONDO:1010154, OMIM 146300, MONDO:0007798.
Hypophosphatasia. Also called: Phosphoethanol-aminuria. Identifiers: Orphanet 436, MedGen C0020630, MeSH D007014, MONDO:0018570.

Allele frequency attached by ClinVar (database versions not stated): TOPMed 0.00012; gnomAD 0.00017; ExAC 0.00021; ESP Exome Variant Server 0.00023; gnomAD exomes 0.00028.
gnomAD v4.1: 296 of 1,613,740 alleles (0.018%); highest among the groups gnomAD compares: Middle Eastern, 0.016%; no homozygotes.

Submissions (12):

Genomenon, Inc
Classification: Uncertain significance for Hypophosphatasia. Last evaluated: 2026-09-01. Review status: criteria provided, single submitter. Criteria: Genomenon Sequence Variant Interpretation Standards - Updated. Collection method: curation. Allele origin: germline. Affected: no.
Comment: ALPL p.Arg138Gln (c.413G>A) is a missense variant that changes the amino acid at codon 138 from Arginine to Glutamine. This variant has been reported in the published literature (PMID:32160374). It is absent or not present at a significant frequency in gnomAD. In conclusion, we classify ALPL p.Arg138Gln (c.413G>A) as a variant of uncertain significance.

Women's Health and Genetics/Laboratory Corporation of America, LabCorp
Classification: Likely benign. Last evaluated: 2026-03-30. Review status: criteria provided, single submitter. Criteria: LabCorp Variant Classification Summary - May 2015. Collection method: clinical testing. Allele origin: germline.
Comment: Variant summary: ALPL c.413G>A (p.Arg138Gln) results in a conservative amino acid change in the encoded protein sequence. Algorithms developed to predict the effect of missense changes on protein structure and function all suggest that this variant is likely to be tolerated. The variant allele was found at a frequency of 0.00028 in 250766 control chromosomes, predominantly at a frequency of 0.0057 within the Ashkenazi Jewish subpopulation in the gnomAD database. The observed variant frequency within Ashkenazi Jewish control individuals in the gnomAD database exceeds the estimated maximal expected allele frequency for disease-causing variants in ALPL. To our knowledge, no occurrence of c.413G>A in individuals affected with ALPL-related conditions has been reported. At least one publication reports experimental evidence evaluating an impact on protein function in vitro. These results showed no damaging effect of this variant (example, Del Angel_2020). The following publications have been ascertained in the context of this evaluation (PMID: 32160374). ClinVar contains an entry for this variant (Variation ID: 295542).Based on the evidence outlined above, the variant was classified as likely benign.

Labcorp Genetics (formerly Invitae), Labcorp
Classification: Likely benign. Last evaluated: 2026-01-19. Review status: criteria provided, single submitter. Criteria: Invitae Variant Classification Sherloc (09022015). Collection method: clinical testing. Allele origin: germline.

Blueprint Genetics
Classification: Likely benign. Last evaluated: 2024-09-18. Review status: criteria provided, single submitter. Criteria: ACMG Guidelines, 2015. Collection method: clinical testing. Allele origin: germline.

Fulgent Genetics
Classification: Likely benign for Adult hypophosphatasia; Infantile hypophosphatasia; Childhood hypophosphatasia. Last evaluated: 2024-06-04. Review status: criteria provided, single submitter. Criteria: ACMG Guidelines, 2015. Collection method: clinical testing. Allele origin: germline.

Department of Pathology and Laboratory Medicine, Sinai Health System
Classification: Uncertain significance for Adult hypophosphatasia; Childhood hypophosphatasia; Infantile hypophosphatasia. Last evaluated: 2023-07-25. Review status: criteria provided, single submitter. Criteria: ACMG Guidelines, 2015. Collection method: research. Allele origin: germline.

CeGaT Center for Human Genetics Tuebingen
Classification: Likely benign. Last evaluated: 2023-06-01. Review status: criteria provided, single submitter. Criteria: CeGaT Center For Human Genetics Tuebingen Variant Classification Criteria Version 2. Collection method: clinical testing. Allele origin: germline. Affected: yes. Observed: 1 variant allele.
Comment: ALPL: BP4

Ambry Genetics
Classification: Likely benign for Inborn genetic diseases. Last evaluated: 2022-05-04. Review status: criteria provided, single submitter. Criteria: Ambry Variant Classification Scheme 2023. Collection method: clinical testing. Allele origin: germline.

Illumina Laboratory Services, Illumina
Classification: Likely benign for Hypophosphatasia. Last evaluated: 2018-01-13. Review status: criteria provided, single submitter. Criteria: ICSL Variant Classification Criteria 13 December 2019. Collection method: clinical testing. Allele origin: germline.
Comment: This variant was observed in the ICSL laboratory as part of a predisposition screen in an ostensibly healthy population. It had not been previously curated by ICSL or reported in the Human Gene Mutation Database (HGMD: prior to June 1st, 2018), and was therefore a candidate for classification through an automated scoring system. Utilizing variant allele frequency, disease prevalence and penetrance estimates, and inheritance mode, an automated score was calculated to assess if this variant is too frequent to cause the disease. Based on the score and internal cut-off values, a variant classified as likely benign is not then subjected to further curation. The score for this variant resulted in a classification of likely benign for this disease.

Genetic Services Laboratory, University of Chicago
Classification: Uncertain significance. Last evaluated: 2016-11-07. Review status: criteria provided, single submitter. Criteria: ACMG Guidelines, 2015. Collection method: clinical testing. Allele origin: germline. Affected: no.

PreventionGenetics, part of Exact Sciences
Classification: Likely benign for ALPL-related condition. Last evaluated: 2024-04-30. Review status: no assertion criteria provided. Collection method: clinical testing. Allele origin: germline. Not counted in ClinVar's aggregate classification.
Comment: This variant is classified as likely benign based on ACMG/AMP sequence variant interpretation guidelines (Richards et al. 2015 PMID: 25741868, with internal and published modifications).

Natera, Inc.
Classification: Likely benign for Hypophosphatasia. Last evaluated: 2020-05-01. Review status: no assertion criteria provided. Collection method: clinical testing. Allele origin: germline. Not counted in ClinVar's aggregate classification.

Literature cited by the submitters: PubMed 32160374 (cited by Genomenon, Inc and Women's Health and Genetics/Laboratory Corporation of America, LabCorp); PubMed 37076969 (cited by Women's Health and Genetics/Laboratory Corporation of America, LabCorp); PubMed 31636198 (cited by Women's Health and Genetics/Laboratory Corporation of America, LabCorp).